The following is an entry in ClinVar:

NM_001904.4(CTNNB1):c.1694G>A (p.Arg565His)

Gene: CTNNB1 (catenin beta 1; plus strand). Cytogenetic location: 3p22.1.
Variant type: single nucleotide variant.
Coding change: c.1694G>A on transcript NM_001904.4 (MANE Select); coding-DNA position 1694, G replaced by A.
Protein change: p.Arg565His; replaces arginine 565 with histidine.
Molecular consequence: missense variant.
Genome position (GRCh38, 1-based): chr3:41,235,734, G>A. VCF-style: chr3-41235734-G-A. GRCh37 (hg19) VCF-style: chr3-41277225-G-A.
Other names: c.1694G>A, p.Arg565His (NM_001098209.2, NM_001098210.2); c.1673G>A, p.Arg558His (NM_001330729.2); short protein forms R558H, R565H.
Identifiers: ClinVar variation 3675982 (VCV003675982.2).

ClinVar aggregate classification (germline): Uncertain significance (1 of 4 stars; one submission).

gnomAD v4.1: 21 of 1,613,936 alleles (0.0013%); highest among the groups gnomAD compares: Admixed American, 0.0033%; no homozygotes.

Submission:

Labcorp Genetics (formerly Invitae), Labcorp
Classification: Uncertain significance. Last evaluated: 2024-03-13. Review status: criteria provided, single submitter. Criteria: Invitae Variant Classification Sherloc (09022015). Collection method: clinical testing. Allele origin: germline.
Comment: This sequence change replaces arginine, which is basic and polar, with histidine, which is basic and polar, at codon 565 of the CTNNB1 protein (p.Arg565His). This variant is present in population databases (rs760837728, gnomAD 0.005%). This variant has not been reported in the literature in individuals affected with CTNNB1-related conditions. Advanced modeling of protein sequence and biophysical properties (such as structural, functional, and spatial information, amino acid conservation, physicochemical variation, residue mobility, and thermodynamic stability) has been performed at Invitae for this missense variant, however the output from this modeling did not meet the statistical confidence thresholds required to predict the impact of this variant on CTNNB1 protein function. In summary, the available evidence is currently insufficient to determine the role of this variant in disease. Therefore, it has been classified as a Variant of Uncertain Significance.